The following is an entry in ClinVar:

ClinVar aggregate classification (germline): Uncertain significance (1 of 4 stars; one submission).

Conditions:
Neuroblastoma, susceptibility to, 3. Also called: ALK-Related Neuroblastic Tumor Susceptibility. Identifiers: Orphanet 635, MedGen C2751681, MONDO:0013083, OMIM 613014.

Submission:

Labcorp Genetics (formerly Invitae), Labcorp
Classification: Uncertain significance for Neuroblastoma, susceptibility to, 3. Last evaluated: 2024-09-10. Review status: criteria provided, single submitter. Criteria: Invitae Variant Classification Sherloc (09022015). Collection method: clinical testing. Allele origin: germline.
Comment: This sequence change replaces lysine, which is basic and polar, with asparagine, which is neutral and polar, at codon 1455 of the ALK protein (p.Lys1455Asn). This variant is not present in population databases (gnomAD no frequency). This variant has not been reported in the literature in individuals affected with ALK-related conditions. ClinVar contains an entry for this variant (Variation ID: 2077996). An algorithm developed to predict the effect of missense changes on protein structure and function (PolyPhen-2) suggests that this variant is likely to be tolerated. In summary, the available evidence is currently insufficient to determine the role of this variant in disease. Therefore, it has been classified as a Variant of Uncertain Significance.

NM_004304.5(ALK):c.4365A>T (p.Lys1455Asn)

Gene: ALK (ALK receptor tyrosine kinase; minus strand). Cytogenetic location: 2p23.2.
Variant type: single nucleotide variant.
Coding change: c.4365A>T on transcript NM_004304.5 (MANE Select); coding-DNA position 4365, A replaced by T.
Protein change: p.Lys1455Asn; replaces lysine 1455 with asparagine.
Molecular consequence: missense variant.
Genome position (GRCh38, 1-based): chr2:29,193,722, T>A on the plus strand (A>T on the coding strand, the complement: ALK is on the minus strand). VCF-style: chr2-29193722-T-A. GRCh37 (hg19) VCF-style: chr2-29416588-T-A.
Other names: c.1161A>T, p.Lys387Asn (NM_001353765.2); short protein forms K1455N, K387N.
Identifiers: ClinVar variation 2077996 (VCV002077996.4), dbSNP rs1573078740, ClinGen allele CA346462384.